The following is an entry in ClinVar:

NC_000019.9:g.(?_52723422)_(52729234_?)dup

Genes: PPP2R1A (protein phosphatase 2 scaffold subunit Aalpha; plus strand), ZNF83 (zinc finger protein 83; minus strand). Cytogenetic location: 19q13.41.
Variant type: Duplication.
Identifiers: ClinVar variation 2425912 (VCV002425912.4).

ClinVar aggregate classification (germline): Uncertain significance (1 of 4 stars; one submission).

Submission:

Labcorp Genetics (formerly Invitae), Labcorp
Classification: Uncertain significance. Last evaluated: 2022-03-24. Review status: criteria provided, single submitter. Criteria: Invitae Variant Classification Sherloc (09022015). Collection method: clinical testing. Allele origin: germline.
Comment: In summary, the available evidence is currently insufficient to determine the role of this variant in disease. Therefore, it has been classified as a Variant of Uncertain Significance. This variant has not been reported in the literature in individuals affected with PPP2R1A-related conditions. This variant results in a copy number gain of the genomic region encompassing exon(s) 11-15 of the PPP2R1A gene. This region includes the termination codon of the gene. This copy number gain extends beyond the assayed region for this gene and therefore may encompass additional genes. As the precise location of this event is unknown, it may be in tandem or it may be located elsewhere in the genome.